The following is an entry in ClinVar:

ClinVar aggregate classification (germline): Likely benign (1 of 4 stars; one submission).

Allele frequency attached by ClinVar (database versions not stated): TOPMed 0.00045; 1000 Genomes Project 30x 0.00125; 1000 Genomes Project 0.00140.
gnomAD v4.1: 447 of 792,060 alleles (0.056%); highest among the groups gnomAD compares: East Asian, 0.9%; 6 homozygotes.

Submission:

CeGaT Center for Human Genetics Tuebingen
Classification: Likely benign. Last evaluated: 2023-01-01. Review status: criteria provided, single submitter. Criteria: CeGaT Center For Human Genetics Tuebingen Variant Classification Criteria Version 2. Collection method: clinical testing. Allele origin: germline. Affected: yes. Observed: 1 variant allele.
Comment: UPB1: BS2

NM_016327.3(UPB1):c.364+188T>G

Gene: UPB1 (beta-ureidopropionase 1; plus strand). Cytogenetic location: 22q11.23.
Variant type: single nucleotide variant.
Coding change: c.364+188T>G on transcript NM_016327.3 (MANE Select); 188 bases into the intron after coding-DNA position 364, T replaced by G.
Molecular consequence: intron variant.
Genome position (GRCh38, 1-based): chr22:24,502,401, T>G. VCF-style: chr22-24502401-T-G. GRCh37 (hg19) VCF-style: chr22-24898369-T-G.
Identifiers: ClinVar variation 2652998 (VCV002652998.24), dbSNP rs147439637, ClinGen allele CA10153142.